The following is an entry in ClinVar:

ClinVar aggregate classification (germline): Uncertain significance (1 of 4 stars; one submission).

Allele frequency attached by ClinVar (database versions not stated): gnomAD exomes 0.00001; TOPMed 0.00001; gnomAD 0.00002; ExAC 0.00003; ESP Exome Variant Server 0.00023.
gnomAD v4.1: 14 of 1,613,956 alleles (0.00087%); highest among the groups gnomAD compares: Non-Finnish European, 0.0012%; no homozygotes.

Submission:

Labcorp Genetics (formerly Invitae), Labcorp
Classification: Uncertain significance. Last evaluated: 2021-12-20. Review status: criteria provided, single submitter. Criteria: Invitae Variant Classification Sherloc (09022015). Collection method: clinical testing. Allele origin: germline.
Comment: This sequence change replaces glutamine, which is neutral and polar, with glutamic acid, which is acidic and polar, at codon 73 of the ESCO2 protein (p.Gln73Glu). This variant is present in population databases (rs141222001, gnomAD 0.005%). This variant has not been reported in the literature in individuals affected with ESCO2-related conditions. Algorithms developed to predict the effect of missense changes on protein structure and function (SIFT, PolyPhen-2, Align-GVGD) all suggest that this variant is likely to be tolerated. In summary, the available evidence is currently insufficient to determine the role of this variant in disease. Therefore, it has been classified as a Variant of Uncertain Significance.

NM_001017420.3(ESCO2):c.217C>G (p.Gln73Glu)

Gene: ESCO2 (establishment of sister chromatid cohesion N-acetyltransferase 2; plus strand). Cytogenetic location: 8p21.1.
Variant type: single nucleotide variant.
Coding change: c.217C>G on transcript NM_001017420.3 (MANE Select); coding-DNA position 217, C replaced by G.
Protein change: p.Gln73Glu; replaces glutamine 73 with glutamic acid.
Molecular consequence: missense variant.
Genome position (GRCh38, 1-based): chr8:27,776,525, C>G. VCF-style: chr8-27776525-C-G. GRCh37 (hg19) VCF-style: chr8-27634042-C-G.
Other names: short protein forms Q73E.
Identifiers: ClinVar variation 2139668 (VCV002139668.1), dbSNP rs141222001, ClinGen allele CA4692018.